The following is an entry in ClinVar:

NM_000038.6(APC):c.6724A>T (p.Ser2242Cys)

Gene: APC (APC regulator of Wnt signaling pathway; plus strand). Cytogenetic location: 5q22.2.
Variant type: single nucleotide variant.
Coding change: c.6724A>T on transcript NM_000038.6 (MANE Select); coding-DNA position 6724, A replaced by T.
Protein change: p.Ser2242Cys; replaces serine 2242 with cysteine.
Molecular consequence: missense variant.
Genome position (GRCh38, 1-based): chr5:112,842,318, A>T. VCF-style: chr5-112842318-A-T. GRCh37 (hg19) VCF-style: chr5-112178015-A-T.
Other names: c.6724A>T, p.Ser2242Cys (NM_001127510.3, NM_001354895.2); c.6670A>T, p.Ser2224Cys (NM_001127511.3); c.6778A>T, p.Ser2260Cys (NM_001354896.2); c.6754A>T, p.Ser2252Cys (NM_001354897.2); c.6649A>T, p.Ser2217Cys (NM_001354898.2); c.6640A>T, p.Ser2214Cys (NM_001354899.2); c.6601A>T, p.Ser2201Cys (NM_001354900.2); c.6547A>T, p.Ser2183Cys (NM_001354901.2); and 5 more; short protein forms S2082C, S2141C, S2260C, S2151C, S2183C, S1959C, S2116C, S2242C.
Identifiers: ClinVar variation 1482606 (VCV001482606.8), dbSNP rs201375478, ClinGen allele CA16036026.

ClinVar aggregate classification (germline): Uncertain significance (1 of 4 stars; one submission).

Conditions:
Familial adenomatous polyposis 1 (FAP1). Also called: FAMILIAL ADENOMATOUS POLYPOSIS 1, ATTENUATED; POLYPOSIS, ADENOMATOUS INTESTINAL. Identifiers: MedGen C2713442, MONDO:0021056, OMIM 175100. Disease mechanism: loss of function.

Submission:

Labcorp Genetics (formerly Invitae), Labcorp
Classification: Uncertain significance for Familial adenomatous polyposis 1. Last evaluated: 2022-02-25. Review status: criteria provided, single submitter. Criteria: Invitae Variant Classification Sherloc (09022015). Collection method: clinical testing. Allele origin: germline.
Comment: In summary, the available evidence is currently insufficient to determine the role of this variant in disease. Therefore, it has been classified as a Variant of Uncertain Significance. Algorithms developed to predict the effect of missense changes on protein structure and function (SIFT, PolyPhen-2, Align-GVGD) all suggest that this variant is likely to be disruptive. This missense change has been observed in individual(s) with colorectal cancer (PMID: 28135145, 30374176). This variant is not present in population databases (gnomAD no frequency). This sequence change replaces serine, which is neutral and polar, with cysteine, which is neutral and slightly polar, at codon 2242 of the APC protein (p.Ser2242Cys).

Literature cited by the submitters: PubMed 28135145; PubMed 30374176.